The following is an entry in ClinVar:

NM_001041.4(SI):c.5403C>T (p.Asp1801=)

Gene: SI (sucrase-isomaltase; minus strand). Cytogenetic location: 3q26.1.
Variant type: single nucleotide variant.
Coding change: c.5403C>T on transcript NM_001041.4 (MANE Select); coding-DNA position 5403, C replaced by T.
Protein change: p.Asp1801=; no amino-acid change (aspartic acid 1801 retained).
Molecular consequence: synonymous variant.
Genome position (GRCh38, 1-based): chr3:164,982,255, G>A on the plus strand (C>T on the coding strand, the complement: SI is on the minus strand). VCF-style: chr3-164982255-G-A. GRCh37 (hg19) VCF-style: chr3-164700043-G-A.
Identifiers: ClinVar variation 902174 (VCV000902174.38), dbSNP rs146830505, ClinGen allele CA2689536.

ClinVar aggregate classification (germline): Conflicting classifications of pathogenicity. Review status: criteria provided, conflicting classifications (1 of 4 stars). 5 submissions from 5 submitters: Uncertain significance (1); Benign (1); Likely benign (3). Last evaluated 2026-02-02.

Conditions:
Sucrase-isomaltase deficiency (CSID). Also called: SI DEFICIENCY; Deficiency of isomaltase; Congenital sucrose isomaltose malabsorption; Sucrose isomaltose enzyme deficiency. Identifiers: Orphanet 35122, MedGen C1283620, MONDO:0009114, OMIM 222900.
Inborn genetic diseases. Identifiers: MedGen C0950123, MeSH D030342.

Allele frequency attached by ClinVar (database versions not stated): gnomAD exomes 0.00054; ExAC 0.00063; gnomAD 0.00066 and 0.00070; ESP Exome Variant Server 0.00077; TOPMed 0.00091; 1000 Genomes Project 30x 0.00094; 1000 Genomes Project 0.00100.
gnomAD v4.1: 1,039 of 1,612,094 alleles (0.064%); highest among the groups gnomAD compares: Middle Eastern, 0.17%; 4 homozygotes.

Submissions (5):

Labcorp Genetics (formerly Invitae), Labcorp
Classification: Benign. Last evaluated: 2026-02-02. Review status: criteria provided, single submitter. Criteria: Invitae Variant Classification Sherloc (09022015). Collection method: clinical testing. Allele origin: germline.

Ambry Genetics
Classification: Likely benign for Inborn genetic diseases. Last evaluated: 2025-07-31. Review status: criteria provided, single submitter. Criteria: Ambry Variant Classification Scheme 2023. Collection method: clinical testing. Allele origin: germline.

Blueprint Genetics
Classification: Likely benign. Last evaluated: 2024-11-13. Review status: criteria provided, single submitter. Criteria: ACMG Guidelines, 2015. Collection method: clinical testing. Allele origin: germline.

CeGaT Center for Human Genetics Tuebingen
Classification: Likely benign. Last evaluated: 2022-11-01. Review status: criteria provided, single submitter. Criteria: CeGaT Center For Human Genetics Tuebingen Variant Classification Criteria Version 2. Collection method: clinical testing. Allele origin: germline. Affected: yes. Observed: 1 variant allele.
Comment: SI: BP4, BP7

Illumina Laboratory Services, Illumina
Classification: Uncertain significance for Sucrase-isomaltase deficiency. Last evaluated: 2018-01-15. Review status: criteria provided, single submitter. Criteria: ICSL Variant Classification Criteria 13 December 2019. Collection method: clinical testing. Allele origin: germline.